The following is an entry in ClinVar:

ClinVar aggregate classification (germline): Pathogenic. Review status: criteria provided, single submitter (1 of 4 stars). 2 submissions from 2 submitters: Pathogenic (1). 1 of the submissions does not count toward it. Last evaluated 2021-07-06.

Conditions:
GATA2 deficiency with susceptibility to MDS/AML. Identifiers: MedGen CN300066, MONDO:0042982.
Deafness-lymphedema-leukemia syndrome. Also called: Lymphedema, primary, with myelodysplasia; Emberger syndrome. Identifiers: Orphanet 3226, MedGen C3279664, MONDO:0013540, OMIM 614038.

Submissions (2):

Molecular Pathology Research Laboratory, SA Pathology
Classification: Pathogenic for GATA2 deficiency with susceptibility to MDS/AML; Deafness-lymphedema-leukemia syndrome. Last evaluated: 2021-07-06. Review status: criteria provided, single submitter. Criteria: ACMG Guidelines, 2015. Collection method: curation. Allele origin: de novo. Inheritance: Autosomal dominant inheritance. Affected: yes. Observed: 1 variant allele.
Comment: PS2, PS3, PS4_Supporting, PM1, PM2, PM5, PP3

OMIM
Classification: Pathogenic for LYMPHEDEMA, PRIMARY, WITH MYELODYSPLASIA. Last evaluated: 2011-09-04. Review status: no assertion criteria provided. Collection method: literature only. Allele origin: germline. Not counted in ClinVar's aggregate classification.

Literature cited by the submitters: PubMed 21892158 (cited by Molecular Pathology Research Laboratory, SA Pathology and OMIM).

NM_032638.5(GATA2):c.1082G>T (p.Arg361Leu)

Gene: GATA2 (GATA binding protein 2; minus strand). Cytogenetic location: 3q21.3.
Variant type: single nucleotide variant.
Coding change: c.1082G>T on transcript NM_032638.5 (MANE Select); coding-DNA position 1082, G replaced by T.
Protein change: p.Arg361Leu; replaces arginine 361 with leucine.
Molecular consequence: missense variant.
Genome position (GRCh38, 1-based): chr3:128,481,880, C>A on the plus strand (G>T on the coding strand, the complement: GATA2 is on the minus strand). VCF-style: chr3-128481880-C-A. GRCh37 (hg19) VCF-style: chr3-128200723-C-A.
Other names: c.1082G>T, p.Arg361Leu (NM_001145661.2); c.1040G>T, p.Arg347Leu (NM_001145662.1); short protein forms R361L, R347L.
Identifiers: ClinVar variation 29721 (VCV000029721.2), dbSNP rs387906634, ClinGen allele CA128593.
Genomic context (GRCh38, chr3:128,481,880, plus strand): 5'-TTGTGCAGCTTGTAGTAGAGGCCACAGGCGTTGCAGACAGGGTCCCCGTTGGCGTTTCGG[C>A]GCCATAAGGTGGTGGTTGTCGTCTGACAATTTGCACAACAGGTGCCGGCTCTTCTGGCGG-3'
Protein context (NP_116027.2, residues 351-371): NCQTTTTTLW[Arg361Leu]RNANGDPVCN